The following is an entry in ClinVar:

ClinVar aggregate classification (germline): Uncertain significance (1 of 4 stars; one submission).

gnomAD v4.1: 2 of 1,614,172 alleles (0.00012%); highest among the groups gnomAD compares: Non-Finnish European, 0.00017%; no homozygotes.

Submission:

Labcorp Genetics (formerly Invitae), Labcorp
Classification: Uncertain significance. Last evaluated: 2021-08-29. Review status: criteria provided, single submitter. Criteria: Invitae Variant Classification Sherloc (09022015). Collection method: clinical testing. Allele origin: germline.
Comment: This sequence change replaces isoleucine with threonine at codon 52 of the DDX59 protein (p.Ile52Thr). The isoleucine residue is weakly conserved and there is a moderate physicochemical difference between isoleucine and threonine. This variant is not present in population databases (ExAC no frequency). This variant has not been reported in the literature in individuals affected with DDX59-related conditions. Algorithms developed to predict the effect of missense changes on protein structure and function output the following: SIFT: "Not Available"; PolyPhen-2: "Benign"; Align-GVGD: "Not Available". The threonine amino acid residue is found in multiple mammalian species, which suggests that this missense change does not adversely affect protein function. In summary, the available evidence is currently insufficient to determine the role of this variant in disease. Therefore, it has been classified as a Variant of Uncertain Significance.

NM_001031725.6(DDX59):c.155T>C (p.Ile52Thr)

Gene: DDX59 (DEAD-box helicase 59; minus strand). Cytogenetic location: 1q32.1.
Variant type: single nucleotide variant.
Coding change: c.155T>C on transcript NM_001031725.6 (MANE Select); coding-DNA position 155, T replaced by C.
Protein change: p.Ile52Thr; replaces isoleucine 52 with threonine.
Molecular consequence: missense variant.
Genome position (GRCh38, 1-based): chr1:200,666,586, A>G on the plus strand (T>C on the coding strand, the complement: DDX59 is on the minus strand). VCF-style: chr1-200666586-A-G. GRCh37 (hg19) VCF-style: chr1-200635714-A-G.
Other names: c.155T>C, p.Ile52Thr (NM_001320181.2, NM_001320182.1, NM_001349799.3 and 5 more transcripts); short protein forms I52T.
Identifiers: ClinVar variation 1469395 (VCV001469395.6), dbSNP rs1662771622, ClinGen allele CA344153108.
Genomic context (GRCh38, chr1:200,666,586, plus strand): 5'-ACCTCTGCCAACTGGCCACCTGGGCTGGGGAAAGGGCATGATTCGCTGATGTGCCTGTCT[A>G]TTGTGGCTGCTTCTGTAGCTACAGCATCAACGGGAACATCTCTGCTTTTGTCCAACTGAA-3'
Protein context (NP_001026895.2, residues 42-62): VDAVATEAAT[Ile52Thr]DRHISESCPF